The following is an entry in ClinVar:

ClinVar aggregate classification (germline): Uncertain significance (1 of 4 stars; one submission).

Conditions:
Hereditary cancer-predisposing syndrome. Also called: Neoplastic Syndromes, Hereditary; Tumor predisposition; Hereditary neoplastic syndrome; Hereditary Cancer Syndrome. Identifiers: Orphanet 140162, MedGen C0027672, MeSH D009386, MONDO:0015356.

Submission:

Ambry Genetics
Classification: Uncertain significance for Hereditary cancer-predisposing syndrome. Last evaluated: 2026-07-06. Review status: criteria provided, single submitter. Criteria: Ambry Variant Classification Scheme 2023. Collection method: clinical testing. Allele origin: germline.
Comment: The p.G59R variant (also known as c.175G>C), located in coding exon 1 of the TMEM127 gene, results from a G to C substitution at nucleotide position 175. The glycine at codon 59 is replaced by arginine, an amino acid with dissimilar properties. This amino acid position is conserved. In addition, this alteration is predicted to be deleterious by in silico analysis. Based on the available evidence, the clinical significance of this variant remains unclear.

NM_017849.4(TMEM127):c.175G>C (p.Gly59Arg)

Gene: TMEM127 (transmembrane protein 127; minus strand). Cytogenetic location: 2q11.2.
Variant type: single nucleotide variant.
Coding change: c.175G>C on transcript NM_017849.4 (MANE Select); coding-DNA position 175, G replaced by C.
Protein change: p.Gly59Arg; replaces glycine 59 with arginine.
Molecular consequence: missense variant. On other transcripts: intron variant (1).
Genome position (GRCh38, 1-based): chr2:96,265,207, C>G on the plus strand (G>C on the coding strand, the complement: TMEM127 is on the minus strand). VCF-style: chr2-96265207-C-G. GRCh37 (hg19) VCF-style: chr2-96930945-C-G.
Other names: c.175G>C, p.Gly59Arg (NM_001193304.3); c.-9+662G>C (NM_001407283.1); short protein forms G59R.
Identifiers: ClinVar variation 5030903 (VCV005030903.1).